The following is an entry in ClinVar:

NM_152783.5(D2HGDH):c.893C>G (p.Thr298Ser)

Gene: D2HGDH (D-2-hydroxyglutarate dehydrogenase; plus strand). Cytogenetic location: 2q37.3.
Variant type: single nucleotide variant.
Coding change: c.893C>G on transcript NM_152783.5 (MANE Select); coding-DNA position 893, C replaced by G.
Protein change: p.Thr298Ser; replaces threonine 298 with serine.
Molecular consequence: missense variant.
Genome position (GRCh38, 1-based): chr2:241,750,190, C>G. VCF-style: chr2-241750190-C-G. GRCh37 (hg19) VCF-style: chr2-242689605-C-G.
Other names: c.491C>G, p.Thr164Ser (NM_001287249.2); c.332C>G, p.Thr111Ser (NM_001352824.2); short protein forms T298S, T111S, T164S.
Identifiers: ClinVar variation 2007731 (VCV002007731.4), dbSNP rs141475702, ClinGen allele CA351408360.
Genomic context (GRCh38, chr2:241,750,190, plus strand): 5'-ACATGCTGTGACCCGTTTCAGGCTGCCCAGGCTTTGCTGAGGTTCTGCAGACCTTCAGCA[C>G]CTGCAAGGGGATGCTGGGTGAGATCCTGTCTGCATTCGAGTTCATGGATGCTGTGTGCAT-3'
Protein context (NP_689996.4, residues 288-308): GFAEVLQTFS[Thr298Ser]CKGMLGEILS

ClinVar aggregate classification (germline): Uncertain significance (1 of 4 stars; one submission).

Conditions:
D-2-hydroxyglutaric aciduria 1 (D2HGA1). Identifiers: Orphanet 79315, MedGen C3152055, MONDO:0024554, OMIM 600721.

gnomAD v4.1: 1 of 1,614,100 alleles (0.000062%); highest among the groups gnomAD compares: South Asian, 0.0011%; no homozygotes.

Submission:

Labcorp Genetics (formerly Invitae), Labcorp
Classification: Uncertain significance for D-2-hydroxyglutaric aciduria 1. Last evaluated: 2025-03-31. Review status: criteria provided, single submitter. Criteria: Invitae Variant Classification Sherloc (09022015). Collection method: clinical testing. Allele origin: germline.
Comment: This sequence change replaces threonine, which is neutral and polar, with serine, which is neutral and polar, at codon 298 of the D2HGDH protein (p.Thr298Ser). This variant is present in population databases (no rsID available, gnomAD 0.003%). This variant has not been reported in the literature in individuals affected with D2HGDH-related conditions. ClinVar contains an entry for this variant (Variation ID: 2007731). Invitae Evidence Modeling of protein sequence and biophysical properties (such as structural, functional, and spatial information, amino acid conservation, physicochemical variation, residue mobility, and thermodynamic stability) indicates that this missense variant is not expected to disrupt D2HGDH protein function with a negative predictive value of 95%. In summary, the available evidence is currently insufficient to determine the role of this variant in disease. Therefore, it has been classified as a Variant of Uncertain Significance.